The following is an entry in ClinVar:

NM_002470.4(MYH3):c.2166-15A>G

Gene: MYH3 (myosin heavy chain 3; minus strand). Cytogenetic location: 17p13.1.
Variant type: single nucleotide variant.
Coding change: c.2166-15A>G on transcript NM_002470.4 (MANE Select); 15 bases into the intron before coding-DNA position 2166, A replaced by G.
Molecular consequence: intron variant.
Genome position (GRCh38, 1-based): chr17:10,640,701, T>C on the plus strand (A>G on the coding strand, the complement: MYH3 is on the minus strand). VCF-style: chr17-10640701-T-C. GRCh37 (hg19) VCF-style: chr17-10544018-T-C.
Identifiers: ClinVar variation 258673 (VCV000258673.28), dbSNP rs876660, ClinGen allele CA8392813.
Genomic context (GRCh38, chr17:10,640,701, plus strand): 5'-AATGAATTGTCCCTCAGGGATTGCACTGGCATTCAGCACTCGGTATCTGCATTGTAGACA[T>C]GGAAATCATCACAGACTGTTGGCAAAGACACAAACCTTGGAGAACATGTAGTTCAGGCCT-3'

ClinVar aggregate classification (germline): Benign. Review status: criteria provided, multiple submitters, no conflicts (2 of 4 stars). 13 submissions from 9 submitters: Benign (10). 3 of the submissions do not count toward it. Last evaluated 2026-02-04.

Conditions:
Contractures, pterygia, and spondylocarpotarsal fusion syndrome 1A (CPSFS1A). Also called: MULTIPLE PTERYGIUM SYNDROME, AUTOSOMAL DOMINANT; Contractures, pterygia, and variable skeletal fusions syndrome 1A; Distal arthrogryposis type 8. Identifiers: Orphanet 65743, MedGen C1867440, MONDO:0008338, OMIM 178110.
Arthrogryposis, distal, type 2B3. Also called: Arthrogryposis, distal, type 2B3 (Sheldon-Hall). Identifiers: MedGen C5193098, MONDO:0032751, OMIM 618436.
Contractures, pterygia, and variable skeletal fusions syndrome 1B. Also called: CONTRACTURES, PTERYGIA, AND SPONDYLOCARPOTARSAL FUSION SYNDROME 1B. Identifiers: MedGen C5193114, MONDO:0020746, OMIM 618469.
Freeman-Sheldon syndrome (DA2A). Also called: WHISTLING FACE-WINDMILL VANE HAND SYNDROME; CRANIOCARPOTARSAL DYSPLASIA; CRANIOCARPOTARSAL DYSTROPHY; Arthrogryposis, distal, type 2A (Freeman-Sheldon). Identifiers: Orphanet 2053, MedGen C0265224, MONDO:0008675, OMIM 193700.
Distal arthrogryposis type 2B1 (DA2B1). Also called: Arthrogryposis multiplex congenita distal type II with craniofacial abnormalities. Identifiers: Orphanet 1147, MedGen C5193014, MONDO:0020820, OMIM 601680.

Allele frequency attached by ClinVar (database versions not stated): gnomAD 0.57314 and 0.57167; gnomAD exomes 0.68721 and 0.61022; 1000 Genomes Project 30x 0.46346; 1000 Genomes Project 0.46665; ExAC 0.61399; TOPMed 0.54711; ESP Exome Variant Server 0.58219.
gnomAD v4.1: 1,088,585 of 1,612,398 alleles (68%); highest among the groups gnomAD compares: Non-Finnish European, 73%; 379,611 homozygotes.

Submissions (13):

Labcorp Genetics (formerly Invitae), Labcorp
Classification: Benign. Last evaluated: 2026-02-04. Review status: criteria provided, single submitter. Criteria: Invitae Variant Classification Sherloc (09022015). Collection method: clinical testing. Allele origin: germline.

Genome-Nilou Lab
Classification: Benign for Freeman-Sheldon syndrome. Last evaluated: 2021-09-05. Review status: criteria provided, single submitter. Criteria: ACMG Guidelines, 2015. Collection method: clinical testing. Allele origin: germline. Affected: no.

Genome-Nilou Lab
Classification: Benign for Arthrogryposis, distal, type 2B3. Last evaluated: 2021-09-05. Review status: criteria provided, single submitter. Criteria: ACMG Guidelines, 2015. Collection method: clinical testing. Allele origin: germline. Affected: no.

Genome-Nilou Lab
Classification: Benign for Contractures, pterygia, and spondylocarpotarsal fusion syndrome 1A. Last evaluated: 2021-09-05. Review status: criteria provided, single submitter. Criteria: ACMG Guidelines, 2015. Collection method: clinical testing. Allele origin: germline. Affected: no.

Genome-Nilou Lab
Classification: Benign for Contractures, pterygia, and variable skeletal fusions syndrome 1B. Last evaluated: 2021-09-05. Review status: criteria provided, single submitter. Criteria: ACMG Guidelines, 2015. Collection method: clinical testing. Allele origin: germline. Affected: no.

GeneDx
Classification: Benign. Last evaluated: 2018-11-12. Review status: criteria provided, single submitter. Criteria: GeneDx Variant Classification Process June 2021. Collection method: clinical testing. Allele origin: germline. Affected: yes.

Illumina Laboratory Services, Illumina
Classification: Benign for Distal arthrogryposis type 2B1. Last evaluated: 2018-01-13. Review status: criteria provided, single submitter. Criteria: ICSL Variant Classification Criteria 13 December 2019. Collection method: clinical testing. Allele origin: germline.
Comment: This variant was observed in the ICSL laboratory as part of a predisposition screen in an ostensibly healthy population. It had not been previously curated by ICSL or reported in the Human Gene Mutation Database (HGMD: prior to June 1st, 2018), and was therefore a candidate for classification through an automated scoring system. Utilizing variant allele frequency, disease prevalence and penetrance estimates, and inheritance mode, an automated score was calculated to assess if this variant is too frequent to cause the disease. Based on the score and internal cut-off values, a variant classified as benign is not then subjected to further curation. The score for this variant resulted in a classification of benign for this disease.

Illumina Laboratory Services, Illumina
Classification: Benign for Freeman-Sheldon syndrome. Last evaluated: 2018-01-13. Review status: criteria provided, single submitter. Criteria: ICSL Variant Classification Criteria 13 December 2019. Collection method: clinical testing. Allele origin: germline.
Comment: the same text as in the submission from Illumina Laboratory Services, Illumina above.

Breakthrough Genomics
Classification: Benign. Review status: criteria provided, single submitter. Criteria: ACMG Guidelines, 2015. Collection method: not provided. Allele origin: germline. Inheritance: Autosomal recessive inheritance. Affected: yes.

PreventionGenetics, part of Exact Sciences
Classification: Benign. Review status: criteria provided, single submitter. Criteria: ACMG Guidelines, 2015. Collection method: clinical testing. Allele origin: germline.

Clinical Genetics, Academic Medical Center
Classification: Benign. Review status: no assertion criteria provided. Collection method: clinical testing. Allele origin: germline. Affected: yes. Study: VKGL Data-share Consensus. Not counted in ClinVar's aggregate classification.

Diagnostic Laboratory, Department of Genetics, University Medical Center Groningen
Classification: Benign. Review status: no assertion criteria provided. Collection method: clinical testing. Allele origin: germline. Affected: yes. Study: VKGL Data-share Consensus. Not counted in ClinVar's aggregate classification.

Joint Genome Diagnostic Labs from Nijmegen and Maastricht, Radboudumc and MUMC+
Classification: Benign. Review status: no assertion criteria provided. Collection method: clinical testing. Allele origin: germline. Affected: yes. Study: VKGL Data-share Consensus. Not counted in ClinVar's aggregate classification.